The following is an entry in ClinVar:

ClinVar aggregate classification (germline): not provided (0 of 4 stars; one submission).

Conditions:
Preeclampsia. Identifiers: Orphanet 275555, MedGen C0032914, MONDO:0005081, HP:0100602.

Submission:

Institute of Molecular and Cell Biology, University of Tartu
No classification provided. Condition: Preeclampsia. Review status: no classification provided. Collection method: case-control. Allele origin: unknown. Affected: yes. Study: Kasak2014.
Comment: The study aimed to determine the contribution of copy number variants in the genetic etiology of normal and complicated pregnancies. The samples represented (i) maternal blood DNA drawn from healthy pregnant women during 1st or 2nd trimester and (ii) maternal and paternal blood DNA drawn at term pregnancy cases representing normal and complicated gestations (severe preeclampsia, PE; gestational diabetes, GD; small-for-gestational age newborn, SGA; large-for-gestational age newborn, LGA). We performed CNV calling based on genome-wide genotyping dataset (Illumina HumanOmniExpress-24-v1 BeadChip) by applying three algorithms, QuantiSNP, GADA (Genome Alteration Detection Algorithm) and CNstream in parallel. The acquired CNV calls were merged with HD-CNV (Hotspot Detector for Copy Number Variants) program and only the CNVs predicted by at least two programs, were considered in subsequent analysis.

Literature cited by the submitters: PubMed 25666259.

NM_005100.4(AKAP12):c.163-8647_163-5271del

Gene: AKAP12 (A-kinase anchoring protein 12; plus strand). Cytogenetic location: 6q25.1.
Variant type: Deletion.
Coding change: c.163-8647_163-5271del on transcript NM_005100.4 (MANE Select); 8647 bases into the intron before coding-DNA position 163 through 5271 bases into the intron before coding-DNA position 163, 3,377 bases deleted.
Molecular consequence: intron variant.
Genome position (GRCh38, 1-based): chr6:151,297,100-151,300,476, 3,377 bases deleted. GRCh37 (hg19): chr6:151,618,235-151,621,611.
Identifiers: ClinVar variation 157031 (VCV000157031.2), ClinGen allele CA212164.